The following is an entry in ClinVar:

ClinVar aggregate classification (germline): Likely benign. Review status: criteria provided, multiple submitters, no conflicts (2 of 4 stars). 2 submissions from 2 submitters: Likely benign (2). Last evaluated 2025-07-31.

Conditions:
Multiple acyl-CoA dehydrogenase deficiency (MADD). Also called: Glutaric aciduria, type 2; Glutaric Acidemia type 2; Glutaric acidemia type II; GA 2; ETHYLMALONIC-ADIPICACIDURIA; GA II. Identifiers: Orphanet 26791, MedGen C0268596, MONDO:0009282, OMIM 231680.

Allele frequency attached by ClinVar (database versions not stated): ExAC 0.00001; gnomAD 0.00001; TOPMed 0.00001; gnomAD exomes 0.00004 and 0.00007.

Submissions (2):

Labcorp Genetics (formerly Invitae), Labcorp
Classification: Likely benign for Multiple acyl-CoA dehydrogenase deficiency. Last evaluated: 2025-07-31. Review status: criteria provided, single submitter. Criteria: Invitae Variant Classification Sherloc (09022015). Collection method: clinical testing. Allele origin: germline.

GeneDx
Classification: Likely benign. Last evaluated: 2017-06-01. Review status: criteria provided, single submitter. Criteria: GeneDx Variant Classification (06012015). Collection method: clinical testing. Allele origin: germline. Affected: yes.
Comment: This variant is considered likely benign or benign based on one or more of the following criteria: it is a conservative change, it occurs at a poorly conserved position in the protein, it is predicted to be benign by multiple in silico algorithms, and/or has population frequency not consistent with disease.

NM_000126.4(ETFA):c.452-11del

Gene: ETFA (electron transfer flavoprotein subunit alpha; minus strand). Cytogenetic location: 15q24.2.
Variant type: Deletion.
Coding change: c.452-11del on transcript NM_000126.4 (MANE Select); 11 bases into the intron before coding-DNA position 452, one base deleted (G; older notation c.452-11delG).
Molecular consequence: intron variant.
Genome position (GRCh38, 1-based): chr15:76,286,492, C deleted on the plus strand (G on the coding strand, the reverse complement: ETFA is on the minus strand). VCF-style (leftmost placement, unchanged base first): chr15-76286491-AC-A. GRCh37 (hg19) VCF-style: chr15-76578832-AC-A.
Other names: c.305-11del (NM_001127716.2).
Identifiers: ClinVar variation 509768 (VCV000509768.6), dbSNP rs764215608, ClinGen allele CA7673751.